The following is an entry in ClinVar:

NM_006005.3(WFS1):c.315+11C>T

Gene: WFS1 (wolframin ER transmembrane glycoprotein; plus strand). Cytogenetic location: 4p16.1.
Variant type: single nucleotide variant.
Coding change: c.315+11C>T on transcript NM_006005.3 (MANE Select); 11 bases into the intron after coding-DNA position 315, C replaced by T.
Molecular consequence: intron variant.
Genome position (GRCh38, 1-based): chr4:6,287,186, C>T. VCF-style: chr4-6287186-C-T. GRCh37 (hg19) VCF-style: chr4-6288913-C-T.
Other names: c.315+11C>T (NM_001145853.1).
Identifiers: ClinVar variation 349311 (VCV000349311.11), dbSNP rs202232817, ClinGen allele CA2838840.

ClinVar aggregate classification (germline): Benign/Likely benign. Review status: criteria provided, multiple submitters, no conflicts (2 of 4 stars). 5 submissions from 4 submitters: Benign (2); Likely benign (3). Last evaluated 2026-01-05.

Conditions:
Wolfram syndrome 1 (WFS1). Identifiers: Orphanet 3463, MedGen C4551693, MONDO:0009101, OMIM 222300.
WFS1-Related Spectrum Disorders.
Autosomal dominant nonsyndromic hearing loss 6 (LFSNHL). Also called: DEAFNESS, AUTOSOMAL DOMINANT 6; DEAFNESS, AUTOSOMAL DOMINANT 14; DEAFNESS, AUTOSOMAL DOMINANT 38; Autosomal dominant nonsyndromic deafness 6. Identifiers: Orphanet 90635, MedGen C1833021, MONDO:0010963, OMIM 600965.

Allele frequency attached by ClinVar (database versions not stated): gnomAD exomes 0.00002 and 0.00007; gnomAD 0.00004 and 0.00006; TOPMed 0.00004; ExAC 0.00009; 1000 Genomes Project 30x 0.00031; 1000 Genomes Project 0.00040.
gnomAD v4.1: 43 of 1,553,910 alleles (0.0028%); highest among the groups gnomAD compares: East Asian, 0.026%; no homozygotes.

Submissions (5):

Labcorp Genetics (formerly Invitae), Labcorp
Classification: Likely benign. Last evaluated: 2026-01-05. Review status: criteria provided, single submitter. Criteria: Invitae Variant Classification Sherloc (09022015). Collection method: clinical testing. Allele origin: germline.

Blueprint Genetics
Classification: Likely benign. Last evaluated: 2023-11-13. Review status: criteria provided, single submitter. Criteria: ACMG Guidelines, 2015. Collection method: clinical testing. Allele origin: germline.

Illumina Laboratory Services, Illumina
Classification: Benign for Autosomal dominant nonsyndromic hearing loss 6. Last evaluated: 2018-01-13. Review status: criteria provided, single submitter. Criteria: ICSL Variant Classification Criteria 13 December 2019. Collection method: clinical testing. Allele origin: germline.
Comment: This variant was observed in the ICSL laboratory as part of a predisposition screen in an ostensibly healthy population. It had not been previously curated by ICSL or reported in the Human Gene Mutation Database (HGMD: prior to June 1st, 2018), and was therefore a candidate for classification through an automated scoring system. Utilizing variant allele frequency, disease prevalence and penetrance estimates, and inheritance mode, an automated score was calculated to assess if this variant is too frequent to cause the disease. Based on the score and internal cut-off values, a variant classified as benign is not then subjected to further curation. The score for this variant resulted in a classification of benign for this disease.

Illumina Laboratory Services, Illumina
Classification: Likely benign for WFS1-Related Spectrum Disorders. Last evaluated: 2018-01-13. Review status: criteria provided, single submitter. Criteria: ICSL Variant Classification Criteria 13 December 2019. Collection method: clinical testing. Allele origin: germline.
Comment: This variant was observed in the ICSL laboratory as part of a predisposition screen in an ostensibly healthy population. It had not been previously curated by ICSL or reported in the Human Gene Mutation Database (HGMD: prior to June 1st, 2018), and was therefore a candidate for classification through an automated scoring system. Utilizing variant allele frequency, disease prevalence and penetrance estimates, and inheritance mode, an automated score was calculated to assess if this variant is too frequent to cause the disease. Based on the score and internal cut-off values, a variant classified as likely benign is not then subjected to further curation. The score for this variant resulted in a classification of likely benign for this disease.

Clinical Genomics, Uppaluri K&H Personalized Medicine Clinic
Classification: Benign for Wolfram syndrome 1. Review status: criteria provided, single submitter. Criteria: K & H Uppaluri Personalized Medicine Clinic Variant Classification & Assertion Criteria_Updated V.1. Collection method: research. Allele origin: unknown. Inheritance: Autosomal recessive inheritance.
Comment: Potent mutations in WFS1 gene are associated with Wolfram's syndrome, an autosomal recessive condition, which cause diabetes mellitus, diabetes insipidus, deafness and optic atrophy. However no sufficient evidence is found to ascertain the role of this particular variant rs202232817 in Wolfram's syndrome yet.

Literature cited by the submitters: PubMed 20738327 (cited by Clinical Genomics, Uppaluri K&H Personalized Medicine Clinic); PubMed 33879153 (cited by Clinical Genomics, Uppaluri K&H Personalized Medicine Clinic); PubMed 12955714 (cited by Clinical Genomics, Uppaluri K&H Personalized Medicine Clinic); PubMed 18060660 (cited by Clinical Genomics, Uppaluri K&H Personalized Medicine Clinic); PubMed 20301750 (cited by Clinical Genomics, Uppaluri K&H Personalized Medicine Clinic); PubMed 17603484 (cited by Clinical Genomics, Uppaluri K&H Personalized Medicine Clinic).